The following is an entry in ClinVar:

ClinVar aggregate classification (germline): Uncertain significance (1 of 4 stars; one submission).

Allele frequency attached by ClinVar (database versions not stated): ExAC 0.00001; gnomAD 0.00001; gnomAD exomes 0.00001; TOPMed 0.00007.
gnomAD v4.1: 7 of 1,613,452 alleles (0.00043%); highest among the groups gnomAD compares: Admixed American, 0.012%; no homozygotes.

Submission:

Labcorp Genetics (formerly Invitae), Labcorp
Classification: Uncertain significance. Last evaluated: 2023-10-22. Review status: criteria provided, single submitter. Criteria: Invitae Variant Classification Sherloc (09022015). Collection method: clinical testing. Allele origin: germline.
Comment: This sequence change replaces arginine, which is basic and polar, with glycine, which is neutral and non-polar, at codon 1625 of the ROBO1 protein (p.Arg1625Gly). This variant is present in population databases (rs753403387, gnomAD 0.006%). This variant has not been reported in the literature in individuals affected with ROBO1-related conditions. Advanced modeling of protein sequence and biophysical properties (such as structural, functional, and spatial information, amino acid conservation, physicochemical variation, residue mobility, and thermodynamic stability) performed at Invitae indicates that this missense variant is not expected to disrupt ROBO1 protein function. In summary, the available evidence is currently insufficient to determine the role of this variant in disease. Therefore, it has been classified as a Variant of Uncertain Significance.

NM_002941.4(ROBO1):c.4873A>G (p.Arg1625Gly)

Gene: ROBO1 (roundabout guidance receptor 1; minus strand). Cytogenetic location: 3p12.3.
Variant type: single nucleotide variant.
Coding change: c.4873A>G on transcript NM_002941.4 (MANE Select); coding-DNA position 4873, A replaced by G.
Protein change: p.Arg1625Gly; replaces arginine 1625 with glycine.
Molecular consequence: missense variant.
Genome position (GRCh38, 1-based): chr3:78,600,181, T>C on the plus strand (A>G on the coding strand, the complement: ROBO1 is on the minus strand). VCF-style: chr3-78600181-T-C. GRCh37 (hg19) VCF-style: chr3-78649331-T-C.
Other names: c.4738A>G, p.Arg1580Gly (NM_001145844.1, NM_133631.4); c.4573A>G, p.Arg1525Gly (NM_001145845.2); short protein forms R1525G, R1625G, R1580G.
Identifiers: ClinVar variation 2964233 (VCV002964233.3), dbSNP rs753403387, ClinGen allele CA2497941.